The following is an entry in ClinVar:

NM_020884.7(MYH7B):c.3024G>C (p.Glu1008Asp)

Gene: MYH7B (myosin heavy chain 7B; plus strand). Cytogenetic location: 20q11.22.
Variant type: single nucleotide variant.
Coding change: c.3024G>C on transcript NM_020884.7 (MANE Select); coding-DNA position 3024, G replaced by C.
Protein change: p.Glu1008Asp; replaces glutamic acid 1008 with aspartic acid.
Molecular consequence: missense variant.
Genome position (GRCh38, 1-based): chr20:34,996,426, G>C. VCF-style: chr20-34996426-G-C. GRCh37 (hg19) VCF-style: chr20-33584229-G-C.
Other names: c.3150G>C (NM_020884.3); short protein forms E1008D.
Identifiers: ClinVar variation 2069959 (VCV002069959.5), dbSNP rs183863579, ClinGen allele CA9827586.

ClinVar aggregate classification (germline): Uncertain significance. Review status: criteria provided, multiple submitters, no conflicts (2 of 4 stars). 2 submissions from 2 submitters: Uncertain significance (2). Last evaluated 2025-08-04.

Allele frequency attached by ClinVar (database versions not stated): ExAC 0.00007; gnomAD 0.00026; TOPMed 0.00040; 1000 Genomes Project 30x 0.00047; 1000 Genomes Project 0.00060.
gnomAD v4.1: 121 of 1,613,518 alleles (0.0075%); highest among the groups gnomAD compares: Admixed American, 0.12%; no homozygotes.

Submissions (2):

Ambry Genetics
Classification: Uncertain significance. Last evaluated: 2025-08-04. Review status: criteria provided, single submitter. Criteria: Ambry Variant Classification Scheme 2023. Collection method: clinical testing. Allele origin: germline.

Labcorp Genetics (formerly Invitae), Labcorp
Classification: Uncertain significance. Last evaluated: 2025-06-13. Review status: criteria provided, single submitter. Criteria: Invitae Variant Classification Sherloc (09022015). Collection method: clinical testing. Allele origin: germline.
Comment: This sequence change replaces glutamic acid, which is acidic and polar, with aspartic acid, which is acidic and polar, at codon 1050 of the MYH7B protein (p.Glu1050Asp). This variant is present in population databases (rs183863579, gnomAD 0.05%). This variant has not been reported in the literature in individuals affected with MYH7B-related conditions. ClinVar contains an entry for this variant (Variation ID: 2069959). Invitae Evidence Modeling of protein sequence and biophysical properties (such as structural, functional, and spatial information, amino acid conservation, physicochemical variation, residue mobility, and thermodynamic stability) indicates that this missense variant is not expected to disrupt MYH7B protein function with a negative predictive value of 80%. In summary, the available evidence is currently insufficient to determine the role of this variant in disease. Therefore, it has been classified as a Variant of Uncertain Significance.